The following is an entry in ClinVar:

ClinVar aggregate classification (germline): Uncertain significance (1 of 4 stars; one submission).

gnomAD v4.1: 2,232 of 1,613,670 alleles (0.14%); highest among the groups gnomAD compares: Non-Finnish European, 0.18%; 1 homozygote.

Submission:

GeneDx
Classification: Uncertain significance. Last evaluated: 2025-08-08. Review status: criteria provided, single submitter. Criteria: GeneDx Variant Classification Process June 2021. Collection method: clinical testing. Allele origin: germline.
Comment: In silico analysis supports that this missense variant has a deleterious effect on protein structure/function; Has not been previously published as pathogenic or benign to our knowledge

NM_001353694.2(TIAM1):c.2108C>G (p.Ser703Cys)

Gene: TIAM1 (TIAM Rac1 associated GEF 1; minus strand). Cytogenetic location: 21q22.11.
Variant type: single nucleotide variant.
Coding change: c.2108C>G on transcript NM_001353694.2 (MANE Select); coding-DNA position 2108, C replaced by G.
Protein change: p.Ser703Cys; replaces serine 703 with cysteine.
Molecular consequence: missense variant.
Genome position (GRCh38, 1-based): chr21:31,217,587, G>C on the plus strand (C>G on the coding strand, the complement: TIAM1 is on the minus strand). VCF-style: chr21-31217587-G-C. GRCh37 (hg19) VCF-style: chr21-32589903-G-C.
Other names: c.2108C>G, p.Ser703Cys (NM_001353686.2, NM_001353687.2, NM_001353688.1 and 6 more transcripts); short protein forms S703C.
Identifiers: ClinVar variation 3359577 (VCV003359577.2).